The following is an entry in ClinVar:

ClinVar aggregate classification (germline): Uncertain significance. Review status: criteria provided, multiple submitters, no conflicts (2 of 4 stars). 2 submissions from 2 submitters: Uncertain significance (2). Last evaluated 2024-06-25.

Conditions:
Inborn genetic diseases. Identifiers: MedGen C0950123, MeSH D030342.

Allele frequency attached by ClinVar (database versions not stated): gnomAD exomes 0.00002; TOPMed 0.00006; gnomAD 0.00007; ESP Exome Variant Server 0.00008.
gnomAD v4.1: 42 of 1,612,764 alleles (0.0026%); highest among the groups gnomAD compares: African/African-American, 0.017%; no homozygotes.

Submissions (2):

Labcorp Genetics (formerly Invitae), Labcorp
Classification: Uncertain significance. Last evaluated: 2024-06-25. Review status: criteria provided, single submitter. Criteria: Invitae Variant Classification Sherloc (09022015). Collection method: clinical testing. Allele origin: germline.
Comment: This sequence change replaces arginine, which is basic and polar, with glutamine, which is neutral and polar, at codon 1501 of the POLR1A protein (p.Arg1501Gln). This variant is present in population databases (rs376780118, gnomAD 0.01%). This variant has not been reported in the literature in individuals affected with POLR1A-related conditions. ClinVar contains an entry for this variant (Variation ID: 2209326). Advanced modeling of protein sequence and biophysical properties (such as structural, functional, and spatial information, amino acid conservation, physicochemical variation, residue mobility, and thermodynamic stability) performed at Invitae indicates that this missense variant is expected to disrupt POLR1A protein function with a positive predictive value of 80%. In summary, the available evidence is currently insufficient to determine the role of this variant in disease. Therefore, it has been classified as a Variant of Uncertain Significance.

Ambry Genetics
Classification: Uncertain significance for Inborn genetic diseases. Last evaluated: 2021-09-16. Review status: criteria provided, single submitter. Criteria: Ambry Variant Classification Scheme 2023. Collection method: clinical testing. Allele origin: germline.

NM_015425.6(POLR1A):c.4502G>A (p.Arg1501Gln)

Gene: POLR1A (RNA polymerase I subunit A; minus strand). Cytogenetic location: 2p11.2.
Variant type: single nucleotide variant.
Coding change: c.4502G>A on transcript NM_015425.6 (MANE Select); coding-DNA position 4502, G replaced by A.
Protein change: p.Arg1501Gln; replaces arginine 1501 with glutamine.
Molecular consequence: missense variant.
Genome position (GRCh38, 1-based): chr2:86,031,406, C>T on the plus strand (G>A on the coding strand, the complement: POLR1A is on the minus strand). VCF-style: chr2-86031406-C-T. GRCh37 (hg19) VCF-style: chr2-86258529-C-T.
Other names: short protein forms R1501Q.
Identifiers: ClinVar variation 2209326 (VCV002209326.3), dbSNP rs376780118, ClinGen allele CA51366504.